The following is an entry in ClinVar:

ClinVar aggregate classification (germline): Conflicting classifications of pathogenicity. Review status: criteria provided, conflicting classifications (1 of 4 stars). 2 submissions from 2 submitters: Likely pathogenic (1); Uncertain significance (1). Last evaluated 2025-12-01.

Allele frequency attached by ClinVar (database versions not stated): ExAC 0.00002; gnomAD exomes below 0.00001.
gnomAD v4.1: 6 of 1,614,176 alleles (0.00037%); highest among the groups gnomAD compares: Admixed American, 0.0017%; no homozygotes.

Submissions (2):

Labcorp Genetics (formerly Invitae), Labcorp
Classification: Likely pathogenic. Last evaluated: 2025-12-01. Review status: criteria provided, single submitter. Criteria: Invitae Variant Classification Sherloc (09022015). Collection method: clinical testing. Allele origin: germline.
Comment: This sequence change affects a donor splice site in intron 9 of the COL11A2 gene. It is expected to disrupt RNA splicing. Variants that disrupt the donor or acceptor splice site typically lead to a loss of protein function (PMID: 16199547), and loss-of-function variants in COL11A2 are known to be pathogenic (PMID: 10677296, 21204229). This variant is present in population databases (rs760663026, gnomAD 0.006%). This variant has not been reported in the literature in individuals affected with COL11A2-related conditions. ClinVar contains an entry for this variant (Variation ID: 2499694). Algorithms developed to predict the effect of sequence changes on RNA splicing suggest that this variant may disrupt the consensus splice site. In summary, the currently available evidence indicates that the variant is pathogenic, but additional data are needed to prove that conclusively. Therefore, this variant has been classified as Likely Pathogenic.

GeneDx
Classification: Uncertain significance. Last evaluated: 2022-10-24. Review status: criteria provided, single submitter. Criteria: GeneDx Variant Classification Process June 2021. Collection method: clinical testing. Allele origin: germline. Affected: yes.
Comment: Canonical splice site variant expected to result in aberrant splicing, although in the absence of functional evidence the actual effect of this sequence change is unknown.; Has not been previously published as pathogenic or benign to our knowledge; This variant is associated with the following publications: (PMID: Argente2000[paper])

Literature cited by the submitters: PubMed 16199547 (cited by Labcorp Genetics (formerly Invitae), Labcorp); PubMed 10677296 (cited by Labcorp Genetics (formerly Invitae), Labcorp); PubMed 21204229 (cited by Labcorp Genetics (formerly Invitae), Labcorp).

NM_080680.3(COL11A2):c.1179+1G>A

Gene: COL11A2 (collagen type XI alpha 2 chain; minus strand). Cytogenetic location: 6p21.32.
Variant type: single nucleotide variant.
Coding change: c.1179+1G>A on transcript NM_080680.3 (MANE Select); the canonical splice donor site of the intron after coding-DNA position 1179, G replaced by A.
Molecular consequence: splice donor variant.
Genome position (GRCh38, 1-based): chr6:33,181,110, C>T on the plus strand (G>A on the coding strand, the complement: COL11A2 is on the minus strand). VCF-style: chr6-33181110-C-T. GRCh37 (hg19) VCF-style: chr6-33148887-C-T.
Other names: c.858+1G>A (NM_080679.3); c.921+1G>A (NM_080681.3).
Identifiers: ClinVar variation 2499694 (VCV002499694.4), dbSNP rs760663026, ClinGen allele CA3751446.